The following is an entry in ClinVar:

NM_152305.3(POGLUT1):c.1147A>G (p.Ile383Val)

Gene: POGLUT1 (protein O-glucosyltransferase 1; plus strand). Cytogenetic location: 3q13.33.
Variant type: single nucleotide variant.
Coding change: c.1147A>G on transcript NM_152305.3 (MANE Select); coding-DNA position 1147, A replaced by G.
Protein change: p.Ile383Val; replaces isoleucine 383 with valine.
Molecular consequence: missense variant. On other transcripts: non-coding transcript variant (1).
Genome position (GRCh38, 1-based): chr3:119,492,406, A>G. VCF-style: chr3-119492406-A-G. GRCh37 (hg19) VCF-style: chr3-119211253-A-G.
Other names: p.Ile383Val; short protein forms I383V.
Identifiers: ClinVar variation 959542 (VCV000959542.15), dbSNP rs370784795, ClinGen allele CA2555060.

ClinVar aggregate classification (germline): Uncertain significance. Review status: criteria provided, multiple submitters, no conflicts (2 of 4 stars). 4 submissions from 4 submitters: Uncertain significance (4). Last evaluated 2025-10-14.

Allele frequency attached by ClinVar (database versions not stated): ESP Exome Variant Server 0.00008; gnomAD 0.00009 and 0.00010; gnomAD exomes 0.00009 and 0.00020; TOPMed 0.00009; ExAC 0.00005.
gnomAD v4.1: 332 of 1,604,778 alleles (0.021%); highest among the groups gnomAD compares: Non-Finnish European, 0.025%; no homozygotes.

Submissions (4):

Labcorp Genetics (formerly Invitae), Labcorp
Classification: Uncertain significance. Last evaluated: 2025-10-14. Review status: criteria provided, single submitter. Criteria: Invitae Variant Classification Sherloc (09022015). Collection method: clinical testing. Allele origin: germline.
Comment: This sequence change replaces isoleucine, which is neutral and non-polar, with valine, which is neutral and non-polar, at codon 383 of the POGLUT1 protein (p.Ile383Val). This variant is present in population databases (rs370784795, gnomAD 0.02%). This variant has not been reported in the literature in individuals affected with POGLUT1-related conditions. ClinVar contains an entry for this variant (Variation ID: 959542). An algorithm developed to predict the effect of missense changes on protein structure and function (PolyPhen-2) suggests that this variant is likely to be tolerated. In summary, the available evidence is currently insufficient to determine the role of this variant in disease. Therefore, it has been classified as a Variant of Uncertain Significance.

Mayo Clinic Laboratories, Mayo Clinic
Classification: Uncertain significance. Last evaluated: 2025-07-18. Review status: criteria provided, single submitter. Criteria: ACMG Guidelines, 2015. Collection method: clinical testing. Allele origin: germline. Observed: 2 variant alleles.
Comment: BP4_moderate

GeneDx
Classification: Uncertain significance. Last evaluated: 2022-09-13. Review status: criteria provided, single submitter. Criteria: GeneDx Variant Classification Process June 2021. Collection method: clinical testing. Allele origin: germline. Affected: yes.
Comment: In silico analysis supports that this missense variant does not alter protein structure/function; Has not been previously published as pathogenic or benign to our knowledge; This variant is associated with the following publications: (PMID: 27535533)

Revvity Omics, Revvity
Classification: Uncertain significance. Last evaluated: 2020-02-11. Review status: criteria provided, single submitter. Criteria: ACMG Guidelines, 2015. Collection method: clinical testing. Allele origin: germline.